The following is an entry in ClinVar:

NM_000059.4(BRCA2):c.3646T>A (p.Phe1216Ile)

Gene: BRCA2 (BRCA2 DNA repair associated; plus strand). Cytogenetic location: 13q13.1.
Variant type: single nucleotide variant.
Coding change: c.3646T>A on transcript NM_000059.4 (MANE Select); coding-DNA position 3646, T replaced by A.
Protein change: p.Phe1216Ile; replaces phenylalanine 1216 with isoleucine.
Molecular consequence: missense variant.
Genome position (GRCh38, 1-based): chr13:32,338,001, T>A. VCF-style: chr13-32338001-T-A. GRCh37 (hg19) VCF-style: chr13-32912138-T-A.
Other names: c.3646T>A, p.Phe1216Ile (NM_001406719.1, NM_001406720.1); short protein forms F1216I.
Identifiers: ClinVar variation 2008525 (VCV002008525.7), dbSNP rs2137498648, ClinGen allele CA387777943.

ClinVar aggregate classification (germline): Conflicting classifications of pathogenicity. Review status: criteria provided, conflicting classifications (1 of 4 stars). 3 submissions from 3 submitters: Uncertain significance (2); Likely benign (1). Last evaluated 2025-06-10.

Conditions:
Hereditary cancer-predisposing syndrome. Also called: Tumor predisposition; Neoplastic Syndromes, Hereditary; Hereditary Cancer Syndrome; Hereditary neoplastic syndrome. Identifiers: Orphanet 140162, MedGen C0027672, MeSH D009386, MONDO:0015356.
Hereditary breast ovarian cancer syndrome. Also called: Hereditary breast and ovarian cancer syndrome (HBOC); Hereditary breast and ovarian cancer syndrome; Hereditary breast and ovarian cancer; Breast and ovarian cancer; BRCA1- and BRCA2-Associated Hereditary Breast and Ovarian Cancer; Hereditary breast and/or ovarian cancer syndrome. Identifiers: Orphanet 145, MedGen C0677776, MeSH D061325, MONDO:0003582. Disease mechanism: loss of function.

Submissions (3):

GeneDx
Classification: Uncertain significance. Last evaluated: 2025-06-10. Review status: criteria provided, single submitter. Criteria: GeneDx Variant Classification Process June 2021. Collection method: clinical testing. Allele origin: germline. Affected: yes.
Comment: Not observed at significant frequency in large population cohorts (gnomAD); In silico analysis supports that this missense variant has a deleterious effect on protein structure/function; Has not been previously published as pathogenic or benign to our knowledge; Also known as 3874T>A

University of Washington Department of Laboratory Medicine, University of Washington
Classification: Likely benign for Hereditary cancer-predisposing syndrome. Last evaluated: 2023-03-23. Review status: criteria provided, single submitter. Criteria: Dines et al. (Genet Med. 2020). Collection method: curation. Allele origin: germline.
Comment: Missense variant in a coldspot region where missense variants are very unlikely to be pathogenic (PMID:31911673).

BRCA2 exon 11 coldspot. Reclassification based on statistical prior probability.

Labcorp Genetics (formerly Invitae), Labcorp
Classification: Uncertain significance for Hereditary breast ovarian cancer syndrome. Last evaluated: 2022-06-19. Review status: criteria provided, single submitter. Criteria: Invitae Variant Classification Sherloc (09022015). Collection method: clinical testing. Allele origin: germline.
Comment: In summary, the available evidence is currently insufficient to determine the role of this variant in disease. Therefore, it has been classified as a Variant of Uncertain Significance. Advanced modeling of protein sequence and biophysical properties (such as structural, functional, and spatial information, amino acid conservation, physicochemical variation, residue mobility, and thermodynamic stability) performed at Invitae indicates that this missense variant is not expected to disrupt BRCA2 protein function. This variant has not been reported in the literature in individuals affected with BRCA2-related conditions. This variant is not present in population databases (gnomAD no frequency). This sequence change replaces phenylalanine, which is neutral and non-polar, with isoleucine, which is neutral and non-polar, at codon 1216 of the BRCA2 protein (p.Phe1216Ile).